The following is an entry in ClinVar:

ClinVar aggregate classification (germline): Uncertain significance (1 of 4 stars; one submission).

Submission:

GeneDx
Classification: Uncertain significance. Last evaluated: 2020-06-23. Review status: criteria provided, single submitter. Criteria: GeneDx Variant Classification Process June 2021. Collection method: clinical testing. Allele origin: germline. Affected: yes.
Comment: In silico analysis supports that this missense variant has a deleterious effect on protein structure/function; Has not been previously published as pathogenic or benign to our knowledge

NM_014795.4(ZEB2):c.3149C>T (p.Ser1050Leu)

Gene: ZEB2 (zinc finger E-box binding homeobox 2; minus strand). Cytogenetic location: 2q22.3.
Variant type: single nucleotide variant.
Coding change: c.3149C>T on transcript NM_014795.4 (MANE Select); coding-DNA position 3149, C replaced by T.
Protein change: p.Ser1050Leu; replaces serine 1050 with leucine.
Molecular consequence: missense variant.
Genome position (GRCh38, 1-based): chr2:144,389,947, G>A on the plus strand (C>T on the coding strand, the complement: ZEB2 is on the minus strand). VCF-style: chr2-144389947-G-A. GRCh37 (hg19) VCF-style: chr2-145147514-G-A.
Other names: c.3077C>T, p.Ser1026Leu (NM_001171653.2); short protein forms S1026L, S1050L.
Identifiers: ClinVar variation 1312771 (VCV001312771.2), dbSNP rs1226638635, ClinGen allele CA348700909.